The following is an entry in ClinVar:

ClinVar aggregate classification (germline): Uncertain significance (1 of 4 stars; one submission).

gnomAD v4.1: 1 of 1,613,700 alleles (0.000062%); highest among the groups gnomAD compares: Non-Finnish European, 0.000085%; no homozygotes.

Submission:

GeneDx
Classification: Uncertain significance. Last evaluated: 2024-12-16. Review status: criteria provided, single submitter. Criteria: GeneDx Variant Classification Process June 2021. Collection method: clinical testing. Allele origin: germline. Affected: yes.
Comment: Not observed at significant frequency in large population cohorts (gnomAD); In silico analysis indicates that this missense variant does not alter protein structure/function; Has not been previously published as pathogenic or benign to our knowledge

NM_001384140.1(PCDH15):c.2785C>G (p.Arg929Gly)

Gene: PCDH15 (protocadherin related 15; minus strand). Cytogenetic location: 10q21.1.
Variant type: single nucleotide variant.
Coding change: c.2785C>G on transcript NM_001384140.1 (MANE Select); coding-DNA position 2785, C replaced by G.
Protein change: p.Arg929Gly; replaces arginine 929 with glycine.
Molecular consequence: missense variant.
Genome position (GRCh38, 1-based): chr10:53,995,732, G>C on the plus strand (C>G on the coding strand, the complement: PCDH15 is on the minus strand). VCF-style: chr10-53995732-G-C. GRCh37 (hg19) VCF-style: chr10-55755492-G-C.
Other names: c.2800C>G, p.Arg934Gly (NM_001142763.2, NM_001142771.2); c.2785C>G, p.Arg929Gly (NM_001142764.2, NM_001142766.2, NM_001142770.3 and 5 more transcripts); c.2572C>G, p.Arg858Gly (NM_001142765.2); c.2674C>G, p.Arg892Gly (NM_001142767.2); c.2719C>G, p.Arg907Gly (NM_001142768.2, NM_001142773.2, NM_001354404.2); c.2821C>G, p.Arg941Gly (NM_001142769.4); c.2806C>G, p.Arg936Gly (NM_001354411.2); short protein forms R858G, R892G, R907G, R929G, R934G, R936G, R941G.
Identifiers: ClinVar variation 3902849 (VCV003902849.1).